The following is an entry in ClinVar:

ClinVar aggregate classification (germline): Pathogenic (1 of 4 stars; one submission).

Conditions:
Tumor predisposition syndrome 3 (TPDS3). Also called: Glioma susceptibility 9; LONG TELOMERE SYNDROME, POT1-RELATED; POT1 Tumor Predisposition; Melanoma, cutaneous malignant, susceptibility to, 10. Identifiers: Orphanet 618, MedGen C4014476, MONDO:0014368, OMIM 615848.

Submission:

Labcorp Genetics (formerly Invitae), Labcorp
Classification: Pathogenic for Tumor predisposition syndrome 3. Last evaluated: 2021-08-04. Review status: criteria provided, single submitter. Criteria: Invitae Variant Classification Sherloc (09022015). Collection method: clinical testing. Allele origin: germline.
Comment: For these reasons, this variant has been classified as Pathogenic. ClinVar contains an entry for this variant (Variation ID: 475021). This variant has not been reported in the literature in individuals affected with POT1-related conditions. This variant is not present in population databases (ExAC no frequency). This sequence change creates a premature translational stop signal (p.Pro383Metfs*10) in the POT1 gene. It is expected to result in an absent or disrupted protein product. Loss-of-function variants in POT1 are known to be pathogenic (PMID: 32155570).

Literature cited by the submitters: PubMed 32155570.

NM_015450.3(POT1):c.1147_1151del (p.Pro383fs)

Gene: POT1 (protection of telomeres 1; minus strand). Cytogenetic location: 7q31.33.
Variant type: Deletion.
Coding change: c.1147_1151del on transcript NM_015450.3 (MANE Select); coding-DNA positions 1147 to 1151, 5 bases deleted (CCTAA; older notation c.1147_1151delCCTAA).
Protein change: p.Pro383fs; shifts the reading frame from proline 383.
Molecular consequence: frameshift variant. On other transcripts: non-coding transcript variant (3).
Genome position (GRCh38, 1-based): chr7:124,842,819-124,842,823, TTAGG deleted on the plus strand (CCTAA on the coding strand, the reverse complement: POT1 is on the minus strand). VCF-style (leftmost placement, unchanged base first): chr7-124842818-TTTAGG-T. GRCh37 (hg19) VCF-style: chr7-124482872-TTTAGG-T.
Other names: c.1147_1151del (NM_015450.2); c.754_758del, p.Pro252fs (NM_001042594.2); short protein forms P252fs, P383fs.
Identifiers: ClinVar variation 475021 (VCV000475021.9), dbSNP rs1554420583, ClinGen allele CA658657711.